The following is an entry in ClinVar:

ClinVar aggregate classification (germline): Uncertain significance (1 of 4 stars; one submission).

gnomAD v4.1: 1 of 1,613,592 alleles (0.000062%); highest among the groups gnomAD compares: Non-Finnish European, 0.000085%; no homozygotes.

Submission:

Labcorp Genetics (formerly Invitae), Labcorp
Classification: Uncertain significance. Last evaluated: 2025-02-16. Review status: criteria provided, single submitter. Criteria: Invitae Variant Classification Sherloc (09022015). Collection method: clinical testing. Allele origin: germline.
Comment: This sequence change replaces isoleucine, which is neutral and non-polar, with valine, which is neutral and non-polar, at codon 587 of the CYFIP2 protein (p.Ile587Val). This variant is not present in population databases (gnomAD no frequency). This variant has not been reported in the literature in individuals affected with CYFIP2-related conditions. Experimental studies and prediction algorithms are not available or were not evaluated, and the functional significance of this variant is currently unknown. In summary, the available evidence is currently insufficient to determine the role of this variant in disease. Therefore, it has been classified as a Variant of Uncertain Significance.

NM_001037333.3(CYFIP2):c.1759A>G (p.Ile587Val)

Gene: CYFIP2 (cytoplasmic FMR1 interacting protein 2; plus strand). Cytogenetic location: 5q33.3.
Variant type: single nucleotide variant.
Coding change: c.1759A>G on transcript NM_001037333.3 (MANE Select); coding-DNA position 1759, A replaced by G.
Protein change: p.Ile587Val; replaces isoleucine 587 with valine.
Molecular consequence: missense variant.
Genome position (GRCh38, 1-based): chr5:157,324,008, A>G. VCF-style: chr5-157324008-A-G. GRCh37 (hg19) VCF-style: chr5-156751016-A-G.
Other names: c.1681A>G, p.Ile561Val (NM_001291721.2); c.1834A>G, p.Ile612Val (NM_001291722.2); c.1759A>G, p.Ile587Val (NM_014376.4); short protein forms I561V, I587V, I612V.
Identifiers: ClinVar variation 4797471 (VCV004797471.1).